The following is an entry in ClinVar:

NM_006389.5(HYOU1):c.457G>A (p.Val153Ile)

Gene: HYOU1 (hypoxia up-regulated 1; minus strand). Cytogenetic location: 11q23.3.
Variant type: single nucleotide variant.
Coding change: c.457G>A on transcript NM_006389.5 (MANE Select); coding-DNA position 457, G replaced by A.
Protein change: p.Val153Ile; replaces valine 153 with isoleucine.
Molecular consequence: missense variant.
Genome position (GRCh38, 1-based): chr11:119,055,023, C>T on the plus strand (G>A on the coding strand, the complement: HYOU1 is on the minus strand). VCF-style: chr11-119055023-C-T. GRCh37 (hg19) VCF-style: chr11-118925735-C-T.
Other names: c.457G>A, p.Val153Ile (NM_001130991.3, NM_001411041.1); short protein forms V153I.
Identifiers: ClinVar variation 4704896 (VCV004704896.1).

ClinVar aggregate classification (germline): Uncertain significance (1 of 4 stars; one submission).

Submission:

Labcorp Genetics (formerly Invitae), Labcorp
Classification: Uncertain significance. Last evaluated: 2025-08-03. Review status: criteria provided, single submitter. Criteria: Invitae Variant Classification Sherloc (09022015). Collection method: clinical testing. Allele origin: germline.
Comment: This sequence change replaces valine, which is neutral and non-polar, with isoleucine, which is neutral and non-polar, at codon 153 of the HYOU1 protein (p.Val153Ile). This variant is not present in population databases (gnomAD no frequency). This variant has not been reported in the literature in individuals affected with HYOU1-related conditions. An algorithm developed to predict the effect of missense changes on protein structure and function outputs the following: PolyPhen-2: "Benign". The isoleucine amino acid residue is found in multiple mammalian species, which suggests that this missense change does not adversely affect protein function. In summary, the available evidence is currently insufficient to determine the role of this variant in disease. Therefore, it has been classified as a Variant of Uncertain Significance.